The following is an entry in ClinVar:

NM_000218.3(KCNQ1):c.1178A>T (p.Lys393Met)

Gene: KCNQ1 (potassium voltage-gated channel subfamily Q member 1; plus strand). Cytogenetic location: 11p15.5.
Variant type: single nucleotide variant.
Coding change: c.1178A>T on transcript NM_000218.3 (MANE Select); coding-DNA position 1178, A replaced by T.
Protein change: p.Lys393Met; replaces lysine 393 with methionine.
Molecular consequence: missense variant.
Genome position (GRCh38, 1-based): chr11:2,587,619, A>T. VCF-style: chr11-2587619-A-T. GRCh37 (hg19) VCF-style: chr11-2608849-A-T.
Other names: c.1178A>T (LRG_287t1); c.1082A>T, p.Lys361Met (NM_001406836.1); c.908A>T, p.Lys303Met (NM_001406837.1); c.638A>T, p.Lys213Met (NM_001406838.1); c.797A>T, p.Lys266Met (NM_181798.2); short protein forms K393M, K266M, K213M, K303M, K361M.
Identifiers: ClinVar variation 52969 (VCV000052969.15), dbSNP rs199472775, ClinGen allele CA005470.

ClinVar aggregate classification (germline): Conflicting classifications of pathogenicity. Review status: criteria provided, conflicting classifications (1 of 4 stars). 5 submissions from 5 submitters: Likely pathogenic (1); Uncertain significance (3). 1 of the submissions does not count toward it. Last evaluated 2023-05-04.

Conditions:
Cardiac arrhythmia. Also called: Arrhythmia; Cardiac rhythm disease. Identifiers: MedGen C0003811, MONDO:0007263, HP:0011675.
Familial long QT syndrome (RWS). Also called: Congenital long QT syndrome; Romano-Ward syndrome; VENTRICULAR FIBRILLATION WITH PROLONGED QT INTERVAL. Identifiers: Orphanet 768, MedGen C1141890, MONDO:0019171.
Long QT syndrome (LQTS). Identifiers: MedGen C0023976, MeSH D008133, MONDO:0002442. Disease mechanism: loss of function. Inheritance: Various modes of inheritance.

gnomAD v4.1: 3 of 1,613,980 alleles (0.00019%); highest among the groups gnomAD compares: Non-Finnish European, 0.00025%; no homozygotes.

Submissions (5):

All of Us Research Program, National Institutes of Health
Classification: Uncertain significance for Long QT syndrome. Last evaluated: 2023-05-04. Review status: criteria provided, single submitter. Criteria: ACMG Guidelines, 2015. Collection method: clinical testing. Allele origin: germline. Inheritance: Autosomal dominant inheritance. Observed: 2 variant alleles, 2 heterozygotes.
Comment: Variant of Uncertain Significance due to insufficient evidence: This missense variant is located in the C-terminal cytoplasmic domain of the KCNQ1 protein. Computational prediction tools and conservation analyses suggest that this variant may have deleterious impact on the protein function. Computational splicing tools suggest that this variant may not impact RNA splicing. An experimental study has shown that this variant may reduce ATP sensitivity of the channel (PMID: 24190995). This variant has been reported in an individual affected with long QT syndrome (PMID: 16414944). This variant is rare in the general population and has been identified in 0/277264 chromosomes by the Genome Aggregation Database (gnomAD). Available evidence is insufficient to determine the pathogenicity of this variant conclusively.

This study involves interpretation of variants in research participants for the purpose of population health screening. Participant phenotype was not available at the time of variant classification. Additional details can be found in publication PMID: 35346344, PMCID: PMC8962531

Color Diagnostics, LLC DBA Color Health
Classification: Uncertain significance for Cardiac arrhythmia. Last evaluated: 2023-04-03. Review status: criteria provided, single submitter. Criteria: ACMG Guidelines, 2015. Collection method: clinical testing. Allele origin: germline.
Comment: This missense variant replaces lysine with methionine at codon 393 of the KCNQ1 protein. Computational prediction suggests that this variant may have a deleterious impact on protein structure and function (internally defined REVEL score threshold >= 0.7, PMID: 27666373). An experimental study has shown that this variant may reduce ATP sensitivity of the channel (PMID: 24190995). This variant has been reported in an individual affected with long QT syndrome (PMID: 16414944). This variant has not been identified in the general population by the Genome Aggregation Database (gnomAD). The available evidence is insufficient to determine the role of this variant in disease conclusively. Therefore, this variant is classified as a Variant of Uncertain Significance.

Labcorp Genetics (formerly Invitae), Labcorp
Classification: Uncertain significance for Long QT syndrome. Last evaluated: 2022-05-28. Review status: criteria provided, single submitter. Criteria: Invitae Variant Classification Sherloc (09022015). Collection method: clinical testing. Allele origin: germline.
Comment: This variant is not present in population databases (gnomAD no frequency). This missense change has been observed in individuals with long QT syndrome (PMID: 16414944). ClinVar contains an entry for this variant (Variation ID: 52969). Algorithms developed to predict the effect of missense changes on protein structure and function are either unavailable or do not agree on the potential impact of this missense change (SIFT: "Deleterious"; PolyPhen-2: "Benign"; Align-GVGD: "Class C35"). Experimental studies have shown that this missense change affects KCNQ1 function (PMID: 24190995). In summary, the available evidence is currently insufficient to determine the role of this variant in disease. Therefore, it has been classified as a Variant of Uncertain Significance. This sequence change replaces lysine, which is basic and polar, with methionine, which is neutral and non-polar, at codon 393 of the KCNQ1 protein (p.Lys393Met).

GeneDx
Classification: Likely pathogenic. Last evaluated: 2021-10-11. Review status: criteria provided, single submitter. Criteria: GeneDx Variant Classification Process June 2021. Collection method: clinical testing. Allele origin: germline. Affected: yes.
Comment: Published functional studies demonstrate that K393M reduces IKs channel current and ATP sensitivity (Li et al., 2013); Not observed at significant frequency in large population cohorts (Lek et al., 2016); In silico analysis supports that this missense variant has a deleterious effect on protein structure/function; Observed in an individual with long QT syndrome in the published literature, however it is unclear whether this individual harbors variants in other genes associated with long QT syndrome (Napolitano et al., 2005); This variant is associated with the following publications: (PMID: 24190995, 16414944)

Cardiovascular Biomedical Research Unit, Royal Brompton & Harefield NHS Foundation Trust
No classification provided. Condition: Familial long QT syndrome. Review status: no classification provided. Collection method: literature only. Allele origin: germline. Not counted in ClinVar's aggregate classification.
Comment: This variant has been reported as associated with Long QT syndrome in the following publications (PMID:16414944). This is a literature report, and does not necessarily reflect the clinical interpretation of the Imperial College / Royal Brompton Cardiovascular Genetics laboratory.

Literature cited by the submitters: PubMed 16414944 (cited by 4 submitters); PubMed 24190995 (cited by 3 submitters); PubMed 22581653 (cited by Cardiovascular Biomedical Research Unit, Royal Brompton & Harefield NHS Foundation Trust).